The following is an entry in ClinVar:

NM_000702.4(ATP1A2):c.2969C>T (p.Pro990Leu)

Gene: ATP1A2 (ATPase Na+/K+ transporting subunit alpha 2; plus strand). Cytogenetic location: 1q23.2.
Variant type: single nucleotide variant.
Coding change: c.2969C>T on transcript NM_000702.4 (MANE Select); coding-DNA position 2969, C replaced by T.
Protein change: p.Pro990Leu; replaces proline 990 with leucine.
Molecular consequence: missense variant.
Genome position (GRCh38, 1-based): chr1:160,139,919, C>T. VCF-style: chr1-160139919-C-T. GRCh37 (hg19) VCF-style: chr1-160109709-C-T.
Other names: short protein forms P990L.
Identifiers: ClinVar variation 382339 (VCV000382339.7), dbSNP rs775974337, ClinGen allele CA1194901.

ClinVar aggregate classification (germline): Uncertain significance. Review status: criteria provided, multiple submitters, no conflicts (2 of 4 stars). 2 submissions from 2 submitters: Uncertain significance (2). Last evaluated 2021-09-02.

Conditions:
Familial hemiplegic migraine. Identifiers: MedGen C0338484, MONDO:0000700.

Allele frequency attached by ClinVar (database versions not stated): gnomAD exomes below 0.00001; TOPMed below 0.00001; ExAC 0.00001; gnomAD 0.00001.
gnomAD v4.1: 3 of 1,614,028 alleles (0.00019%); highest among the groups gnomAD compares: Non-Finnish European, 0.00025%; no homozygotes.

Submissions (2):

Labcorp Genetics (formerly Invitae), Labcorp
Classification: Uncertain significance for Familial hemiplegic migraine. Last evaluated: 2021-09-02. Review status: criteria provided, single submitter. Criteria: Invitae Variant Classification Sherloc (09022015). Collection method: clinical testing. Allele origin: germline.

GeneDx
Classification: Uncertain significance. Last evaluated: 2015-12-21. Review status: criteria provided, single submitter. Criteria: GeneDx Variant Classification (06012015). Collection method: clinical testing. Allele origin: germline. Affected: yes.
Comment: A variant of uncertain significance has been identified in the ATP1A2 gene. The P990L variant has not been publishedas a pathogenic variant, nor has it been reported as a benign variant to our knowledge. It was not observed inapproximately 6,500 individuals of European and African American ancestry in the NHLBI Exome SequencingProject, indicating it is not a common benign variant in these populations. The P990L variant is a semi-conservativeamino acid substitution, which may impact secondary protein structure as these residues differ in some properties.This substitution occurs at a position that is conserved across species, and in silico analysis predicts this variant isprobably damaging to the protein structure/function. However, missense variants in nearby residues have not beenreported in Human Gene Mutation Database in association with an ATP1A2-related disorder (Stenson et al., 2014).Therefore, based on the currently available information, it is unclear whether this variant is a pathogenic variant or arare benign variant.